The following is an entry in ClinVar:

ClinVar aggregate classification (germline): Conflicting classifications of pathogenicity. Review status: criteria provided, conflicting classifications (1 of 4 stars). 11 submissions from 11 submitters: Uncertain significance (1); Benign (5); Likely benign (3). 2 of the submissions do not count toward it. Last evaluated 2026-06-01.

Conditions:
Inborn genetic diseases. Identifiers: MedGen C0950123, MeSH D030342.
Charcot-Marie-Tooth disease axonal type 2O. Also called: CHARCOT-MARIE-TOOTH NEUROPATHY, AXONAL, TYPE 2O; CHARCOT-MARIE-TOOTH DISEASE, AXONAL, AUTOSOMAL DOMINANT, TYPE 2O; Charcot-Marie-Tooth Neuropathy Type 2O; Charcot-Marie-Tooth disease, axonal, type 20. Identifiers: Orphanet 284232, MedGen C3280220, MONDO:0013644, OMIM 614228.

Allele frequency attached by ClinVar (database versions not stated): gnomAD 0.00012 and 0.00017; TOPMed 0.00021; gnomAD exomes 0.00022 and 0.00031; ExAC 0.00033; 1000 Genomes Project 0.00040; 1000 Genomes Project 30x 0.00047; ESP Exome Variant Server 0.00062.
gnomAD v4.1: 370 of 1,614,074 alleles (0.023%); highest among the groups gnomAD compares: Middle Eastern, 0.23%; 3 homozygotes.

Submissions (11):

CeGaT Center for Human Genetics Tuebingen
Classification: Likely benign. Last evaluated: 2026-06-01. Review status: criteria provided, single submitter. Criteria: CeGaT Center For Human Genetics Tuebingen Variant Classification Criteria Version 2. Collection method: clinical testing. Allele origin: germline. Affected: yes. Observed: 12 variant alleles.
Comment: DYNC1H1: BP4, BP7

Labcorp Genetics (formerly Invitae), Labcorp
Classification: Benign for Charcot-Marie-Tooth disease axonal type 2O. Last evaluated: 2026-01-02. Review status: criteria provided, single submitter. Criteria: Invitae Variant Classification Sherloc (09022015). Collection method: clinical testing. Allele origin: germline.

Mayo Clinic Laboratories, Mayo Clinic
Classification: Benign. Last evaluated: 2025-07-30. Review status: criteria provided, single submitter. Criteria: ACMG Guidelines, 2015. Collection method: clinical testing. Allele origin: germline. Observed: 1 variant allele.
Comment: BS1, BS2, BP4, BP7

ARUP Laboratories, Molecular Genetics and Genomics, ARUP Laboratories
Classification: Benign. Last evaluated: 2025-02-26. Review status: criteria provided, single submitter. Criteria: ARUP Molecular Germline Variant Investigation Process 2024. Collection method: clinical testing. Allele origin: germline.

Blueprint Genetics
Classification: Likely benign. Last evaluated: 2024-11-08. Review status: criteria provided, single submitter. Criteria: ACMG Guidelines, 2015. Collection method: clinical testing. Allele origin: germline.

GeneDx
Classification: Benign. Last evaluated: 2019-02-27. Review status: criteria provided, single submitter. Criteria: GeneDx Variant Classification Process June 2021. Collection method: clinical testing. Allele origin: germline. Affected: yes.

Athena Diagnostics
Classification: Benign. Last evaluated: 2018-11-07. Review status: criteria provided, single submitter. Criteria: Athena Diagnostics Criteria. Collection method: clinical testing. Allele origin: germline.

Ambry Genetics
Classification: Likely benign for Inborn genetic diseases. Last evaluated: 2017-01-19. Review status: criteria provided, single submitter. Criteria: Ambry Variant Classification Scheme 2023. Collection method: clinical testing. Allele origin: germline.

Eurofins Ntd Llc (ga)
Classification: Uncertain significance. Last evaluated: 2014-12-11. Review status: criteria provided, single submitter. Criteria: EGL Classification Definitions 2015. Collection method: clinical testing. Allele origin: germline. Observed: 1 variant allele, 1 heterozygote.

Clinical Genetics DNA and cytogenetics Diagnostics Lab, Erasmus MC, Erasmus Medical Center
Classification: Likely benign. Review status: no assertion criteria provided. Collection method: clinical testing. Allele origin: germline. Affected: yes. Study: VKGL Data-share Consensus. Not counted in ClinVar's aggregate classification.

Clinical Genetics, Academic Medical Center
Classification: Likely benign. Review status: no assertion criteria provided. Collection method: clinical testing. Allele origin: germline. Affected: yes. Study: VKGL Data-share Consensus. Not counted in ClinVar's aggregate classification.

NM_001376.5(DYNC1H1):c.10887C>T (p.Phe3629=)

Gene: DYNC1H1 (dynein cytoplasmic 1 heavy chain 1; plus strand). Cytogenetic location: 14q32.31.
Variant type: single nucleotide variant.
Coding change: c.10887C>T on transcript NM_001376.5 (MANE Select); coding-DNA position 10887, C replaced by T.
Protein change: p.Phe3629=; no amino-acid change (phenylalanine 3629 retained).
Molecular consequence: synonymous variant.
Genome position (GRCh38, 1-based): chr14:102,036,621, C>T. VCF-style: chr14-102036621-C-T. GRCh37 (hg19) VCF-style: chr14-102502958-C-T.
Other names: p.Phe3629=.
Identifiers: ClinVar variation 198001 (VCV000198001.56), dbSNP rs141133453, ClinGen allele CA246458.